The following is an entry in ClinVar:

ClinVar aggregate classification (germline): Uncertain significance (1 of 4 stars; one submission).

Conditions:
Cardiovascular phenotype. Identifiers: MedGen CN230736.

Allele frequency attached by ClinVar (database versions not stated): ExAC 0.00002.
gnomAD v4.1: 2 of 1,614,134 alleles (0.00012%); highest among the groups gnomAD compares: Non-Finnish European, 0.00017%; no homozygotes.

Submission:

Ambry Genetics
Classification: Uncertain significance for Cardiovascular phenotype. Last evaluated: 2022-01-17. Review status: criteria provided, single submitter. Criteria: Ambry Variant Classification Scheme 2023. Collection method: clinical testing. Allele origin: germline.
Comment: The p.P633L variant (also known as c.1898C>T), located in coding exon 13 of the SCN10A gene, results from a C to T substitution at nucleotide position 1898. The proline at codon 633 is replaced by leucine, an amino acid with similar properties. This amino acid position is conserved. In addition, the in silico prediction for this alteration is inconclusive. Since supporting evidence is limited at this time, the clinical significance of this alteration remains unclear.

NM_006514.4(SCN10A):c.1898C>T (p.Pro633Leu)

Gene: SCN10A (sodium voltage-gated channel alpha subunit 10; minus strand). Cytogenetic location: 3p22.2.
Variant type: single nucleotide variant.
Coding change: c.1898C>T on transcript NM_006514.4 (MANE Select); coding-DNA position 1898, C replaced by T.
Protein change: p.Pro633Leu; replaces proline 633 with leucine.
Molecular consequence: missense variant.
Genome position (GRCh38, 1-based): chr3:38,742,499, G>A on the plus strand (C>T on the coding strand, the complement: SCN10A is on the minus strand). VCF-style: chr3-38742499-G-A. GRCh37 (hg19) VCF-style: chr3-38783990-G-A.
Other names: c.1898C>T, p.Pro633Leu (NM_001293306.2); c.1604C>T, p.Pro535Leu (NM_001293307.2); short protein forms P535L, P633L.
Identifiers: ClinVar variation 1782204 (VCV001782204.2), dbSNP rs760993327, ClinGen allele CA2320698.